The following is an entry in ClinVar:

NM_001166108.2(PALLD):c.2704C>T (p.Pro902Ser)

Genes: CBR4 (carbonyl reductase 4; minus strand), PALLD (palladin, cytoskeletal associated protein; plus strand). Cytogenetic location: 4q32.3.
Variant type: single nucleotide variant.
Coding change: c.2704C>T on transcript NM_001166108.2 (MANE Select); coding-DNA position 2704, C replaced by T.
Protein change: p.Pro902Ser; replaces proline 902 with serine.
Molecular consequence: missense variant.
Genome position (GRCh38, 1-based): chr4:168,914,008, C>T. VCF-style: chr4-168914008-C-T. GRCh37 (hg19) VCF-style: chr4-169835159-C-T.
Other names: c.532C>T, p.Pro178Ser (NM_001367569.1, NM_001367567.1); c.583C>T, p.Pro195Ser (NM_001367570.1, NM_001367568.1); c.2653C>T, p.Pro885Ser (NM_016081.4); c.1507C>T, p.Pro503Ser (NM_001166109.2); c.1192C>T, p.Pro398Ser (NM_001166110.2); short protein forms P178S, P503S, P195S, P398S, P902S, P885S.
Identifiers: ClinVar variation 1375172 (VCV001375172.8), dbSNP rs114673468, ClinGen allele CA3135931.

ClinVar aggregate classification (germline): Uncertain significance (1 of 4 stars; one submission).

Conditions:
Pancreatic adenocarcinoma. Identifiers: MedGen C0281361, MONDO:0006047, HP:0006725.

Allele frequency attached by ClinVar (database versions not stated): gnomAD 0.00001 and 0.00003; gnomAD exomes 0.00001; ExAC 0.00002; TOPMed 0.00003; 1000 Genomes Project 30x 0.00031; 1000 Genomes Project 0.00040.
gnomAD v4.1: 13 of 1,600,892 alleles (0.00081%); highest among the groups gnomAD compares: African/African-American, 0.011%; no homozygotes.

Submission:

Labcorp Genetics (formerly Invitae), Labcorp
Classification: Uncertain significance for Pancreatic adenocarcinoma. Last evaluated: 2022-09-28. Review status: criteria provided, single submitter. Criteria: Invitae Variant Classification Sherloc (09022015). Collection method: clinical testing. Allele origin: germline.
Comment: This variant is present in population databases (rs114673468, gnomAD 0.01%). This sequence change replaces proline, which is neutral and non-polar, with serine, which is neutral and polar, at codon 398 of the PALLD protein (p.Pro398Ser). This variant has not been reported in the literature in individuals affected with PALLD-related conditions. ClinVar contains an entry for this variant (Variation ID: 1375172). Algorithms developed to predict the effect of missense changes on protein structure and function are either unavailable or do not agree on the potential impact of this missense change (SIFT: "Deleterious"; PolyPhen-2: "Benign"; Align-GVGD: "Class C65"). In summary, the available evidence is currently insufficient to determine the role of this variant in disease. Therefore, it has been classified as a Variant of Uncertain Significance.